The following is an entry in ClinVar:

NM_001254.4(CDC6):c.733G>C (p.Ala245Pro)

Gene: CDC6 (cell division cycle 6; plus strand). Cytogenetic location: 17q21.2.
Variant type: single nucleotide variant.
Coding change: c.733G>C on transcript NM_001254.4 (MANE Select); coding-DNA position 733, G replaced by C.
Protein change: p.Ala245Pro; replaces alanine 245 with proline.
Molecular consequence: missense variant.
Genome position (GRCh38, 1-based): chr17:40,293,528, G>C. VCF-style: chr17-40293528-G-C. GRCh37 (hg19) VCF-style: chr17-38449780-G-C.
Other names: short protein forms A245P.
Identifiers: ClinVar variation 2896887 (VCV002896887.3), dbSNP rs771793749, ClinGen allele CA8541953.

ClinVar aggregate classification (germline): Uncertain significance (1 of 4 stars; one submission).

Allele frequency attached by ClinVar (database versions not stated): gnomAD exomes 0.00001; ExAC 0.00002; TOPMed 0.00002.
gnomAD v4.1: 3 of 1,613,772 alleles (0.00019%); highest among the groups gnomAD compares: Admixed American, 0.005%; no homozygotes.

Submission:

Labcorp Genetics (formerly Invitae), Labcorp
Classification: Uncertain significance. Last evaluated: 2025-11-15. Review status: criteria provided, single submitter. Criteria: Invitae Variant Classification Sherloc (09022015). Collection method: clinical testing. Allele origin: germline.
Comment: This sequence change replaces alanine, which is neutral and non-polar, with proline, which is neutral and non-polar, at codon 245 of the CDC6 protein (p.Ala245Pro). This variant is present in population databases (rs771793749, gnomAD 0.009%). This variant has not been reported in the literature in individuals affected with CDC6-related conditions. ClinVar contains an entry for this variant (Variation ID: 2896887). An algorithm developed to predict the effect of missense changes on protein structure and function (PolyPhen-2) suggests that this variant is likely to be disruptive. In summary, the available evidence is currently insufficient to determine the role of this variant in disease. Therefore, it has been classified as a Variant of Uncertain Significance.